The following is an entry in ClinVar:

ClinVar aggregate classification (germline): Benign/Likely benign. Review status: criteria provided, multiple submitters, no conflicts (2 of 4 stars). 11 submissions from 10 submitters: Benign (6); Likely benign (4). 1 of the submissions does not count toward it. Last evaluated 2026-01-31.

Conditions:
Inborn genetic diseases. Identifiers: MedGen C0950123, MeSH D030342.
KCNT1-related disorder. Also called: KCNT1-related condition.
Autosomal dominant nocturnal frontal lobe epilepsy 5. Also called: Epilepsy, nocturnal frontal lobe, 5; KCNT1-Related Epilepsy; CILIARY DYSKINESIA, PRIMARY, 28, WITHOUT SITUS INVERSUS; CILIARY DYSKINESIA, PRIMARY, 28, WITH SITUS INVERSUS. Identifiers: Orphanet 98784, MedGen C3554306, MONDO:0014002, OMIM 615005.
Developmental and epileptic encephalopathy, 14 (DEE14). Also called: Early infantile epileptic encephalopathy 14. Identifiers: Orphanet 293181, MedGen C3554195, MONDO:0013989, OMIM 614959.

Allele frequency attached by ClinVar (database versions not stated): ExAC 0.00079; 1000 Genomes Project 0.00160; gnomAD 0.00185; TOPMed 0.00196; 1000 Genomes Project 30x 0.00203; ESP Exome Variant Server 0.00308.
gnomAD v4.1: 635 of 1,605,818 alleles (0.04%); highest among the groups gnomAD compares: African/African-American, 0.73%; 3 homozygotes.

Submissions (11):

Labcorp Genetics (formerly Invitae), Labcorp
Classification: Benign for Autosomal dominant nocturnal frontal lobe epilepsy 5; Developmental and epileptic encephalopathy, 14. Last evaluated: 2026-01-31. Review status: criteria provided, single submitter. Criteria: Invitae Variant Classification Sherloc (09022015). Collection method: clinical testing. Allele origin: germline.

Women's Health and Genetics/Laboratory Corporation of America, LabCorp
Classification: Likely benign. Last evaluated: 2025-12-22. Review status: criteria provided, single submitter. Criteria: LabCorp Variant Classification Summary - May 2015. Collection method: clinical testing. Allele origin: germline.

Blueprint Genetics
Classification: Likely benign. Last evaluated: 2024-11-27. Review status: criteria provided, single submitter. Criteria: ACMG Guidelines, 2015. Collection method: clinical testing. Allele origin: germline.

CeGaT Center for Human Genetics Tuebingen
Classification: Likely benign. Last evaluated: 2024-09-01. Review status: criteria provided, single submitter. Criteria: CeGaT Center For Human Genetics Tuebingen Variant Classification Criteria Version 2. Collection method: clinical testing. Allele origin: germline. Affected: yes. Observed: 1 variant allele.
Comment: KCNT1: BP4, BP7, BS1

Genome-Nilou Lab
Classification: Benign for Developmental and epileptic encephalopathy, 14. Last evaluated: 2022-03-15. Review status: criteria provided, single submitter. Criteria: ACMG Guidelines, 2015. Collection method: clinical testing. Allele origin: germline. Affected: no.

Genome-Nilou Lab
Classification: Benign for Autosomal dominant nocturnal frontal lobe epilepsy 5. Last evaluated: 2022-03-15. Review status: criteria provided, single submitter. Criteria: ACMG Guidelines, 2015. Collection method: clinical testing. Allele origin: germline. Affected: no.

Athena Diagnostics
Classification: Benign. Last evaluated: 2018-02-20. Review status: criteria provided, single submitter. Criteria: Athena Diagnostics Criteria. Collection method: clinical testing. Allele origin: germline.

GeneDx
Classification: Benign. Last evaluated: 2017-03-28. Review status: criteria provided, single submitter. Criteria: GeneDx Variant Classification (06012015). Collection method: clinical testing. Allele origin: germline. Affected: yes.
Comment: This variant is considered likely benign or benign based on one or more of the following criteria: it is a conservative change, it occurs at a poorly conserved position in the protein, it is predicted to be benign by multiple in silico algorithms, and/or has population frequency not consistent with disease.

Eurofins Ntd Llc (ga)
Classification: Benign. Last evaluated: 2016-08-12. Review status: criteria provided, single submitter. Criteria: EGL Classification Definitions 2015. Collection method: clinical testing. Allele origin: germline. Observed: 2 variant alleles, 2 heterozygotes.

Ambry Genetics
Classification: Likely benign for Inborn genetic diseases. Last evaluated: 2016-05-02. Review status: criteria provided, single submitter. Criteria: Ambry Variant Classification Scheme 2023. Collection method: clinical testing. Allele origin: germline.

PreventionGenetics, part of Exact Sciences
Classification: Benign for KCNT1-related condition. Last evaluated: 2019-04-10. Review status: no assertion criteria provided. Collection method: clinical testing. Allele origin: germline. Not counted in ClinVar's aggregate classification.
Comment: This variant is classified as benign based on ACMG/AMP sequence variant interpretation guidelines (Richards et al. 2015 PMID: 25741868, with internal and published modifications).

NM_020822.3(KCNT1):c.3690C>T (p.Arg1230=)

Gene: KCNT1 (potassium sodium-activated channel subfamily T member 1; plus strand). Cytogenetic location: 9q34.3.
Variant type: single nucleotide variant.
Coding change: c.3690C>T on transcript NM_020822.3 (MANE Select); coding-DNA position 3690, C replaced by T.
Protein change: p.Arg1230=; no amino-acid change (arginine 1230 retained).
Molecular consequence: synonymous variant.
Genome position (GRCh38, 1-based): chr9:135,792,143, C>T. VCF-style: chr9-135792143-C-T. GRCh37 (hg19) VCF-style: chr9-138683989-C-T.
Other names: c.3618C>T, p.Arg1206= (NM_001272003.2).
Identifiers: ClinVar variation 289215 (VCV000289215.76), dbSNP rs141521745, ClinGen allele CA5328024.